The following is an entry in ClinVar:

ClinVar aggregate classification (germline): Uncertain significance. Review status: criteria provided, multiple submitters, no conflicts (2 of 4 stars). 4 submissions from 4 submitters: Uncertain significance (4). Last evaluated 2026-05-06.

Conditions:
TMEM132E-related disorder. Also called: TMEM132E-related condition.

Allele frequency attached by ClinVar (database versions not stated): gnomAD 0.00006 and 0.00007; TOPMed 0.00013.
gnomAD v4.1: 136 of 1,529,394 alleles (0.0089%); highest among the groups gnomAD compares: Non-Finnish European, 0.011%; no homozygotes.

Submissions (4):

PreventionGenetics, part of Exact Sciences
Classification: Uncertain significance for TMEM132E-related condition. Last evaluated: 2026-05-06. Review status: criteria provided, single submitter. Criteria: ACMG Guidelines, 2015. Collection method: clinical testing. Allele origin: germline.
Comment: The TMEM132E c.84C>G variant is predicted to result in the amino acid substitution p.His28Gln. To our knowledge, this variant has not been reported in the literature. This variant is reported in 0.022% of alleles in individuals of European (Non-Finnish) descent in gnomAD. At this time, the clinical significance of this variant is uncertain due to the absence of conclusive functional and genetic evidence.

Labcorp Genetics (formerly Invitae), Labcorp
Classification: Uncertain significance. Last evaluated: 2024-11-11. Review status: criteria provided, single submitter. Criteria: Invitae Variant Classification Sherloc (09022015). Collection method: clinical testing. Allele origin: germline.
Comment: This sequence change replaces histidine, which is basic and polar, with glutamine, which is neutral and polar, at codon 28 of the TMEM132E protein (p.His28Gln). This variant is present in population databases (rs774704736, gnomAD 0.02%). This variant has not been reported in the literature in individuals affected with TMEM132E-related conditions. ClinVar contains an entry for this variant (Variation ID: 595779). Experimental studies and prediction algorithms are not available or were not evaluated, and the functional significance of this variant is currently unknown. In summary, the available evidence is currently insufficient to determine the role of this variant in disease. Therefore, it has been classified as a Variant of Uncertain Significance.

Ambry Genetics
Classification: Uncertain significance. Last evaluated: 2024-02-26. Review status: criteria provided, single submitter. Criteria: Ambry Variant Classification Scheme 2023. Collection method: clinical testing. Allele origin: germline.

Eurofins Ntd Llc (ga)
Classification: Uncertain significance. Last evaluated: 2018-01-30. Review status: criteria provided, single submitter. Criteria: EGL Classification Definitions 2015. Collection method: clinical testing. Allele origin: germline. Observed: 1 variant allele, 1 heterozygote.

NM_001304438.2(TMEM132E):c.84C>G (p.His28Gln)

Gene: TMEM132E (transmembrane protein 132E; plus strand). Cytogenetic location: 17q12.
Variant type: single nucleotide variant.
Coding change: c.84C>G on transcript NM_001304438.2 (MANE Select); coding-DNA position 84, C replaced by G.
Protein change: p.His28Gln; replaces histidine 28 with glutamine.
Molecular consequence: missense variant.
Genome position (GRCh38, 1-based): chr17:34,626,143, C>G. VCF-style: chr17-34626143-C-G. GRCh37 (hg19) VCF-style: chr17-32953162-C-G.
Other names: NM_207313.1:c.84C>G; c.84C>G (NM_001304438.1); short protein forms H28Q.
Identifiers: ClinVar variation 595779 (VCV000595779.13), dbSNP rs774704736, ClinGen allele CA8496364.